The following is an entry in ClinVar:

ClinVar aggregate classification (germline): Likely benign. Review status: criteria provided, single submitter (1 of 4 stars). 2 submissions from 2 submitters: Likely benign (1). 1 of the submissions does not count toward it. Last evaluated 2024-03-16.

Conditions:
Hereditary fructosuria. Also called: Hereditary fructose intolerance; ALDOB DEFICIENCY; ALDOLASE B DEFICIENCY; FRUCTOSE-1,6-BISPHOSPHATE ALDOLASE B DEFICIENCY; FRUCTOSE-1-PHOSPHATE ALDOLASE DEFICIENCY; FRUCTOSEMIA. Identifiers: Orphanet 469, MedGen C0016751, MONDO:0009249, OMIM 229600, HP:0005973. Disease mechanism: loss of function.
ALDOB-related disorder. Also called: ALDOB-related condition.

Allele frequency attached by ClinVar (database versions not stated): TOPMed below 0.00001.

Submissions (2):

Labcorp Genetics (formerly Invitae), Labcorp
Classification: Likely benign for Hereditary fructosuria. Last evaluated: 2024-03-16. Review status: criteria provided, single submitter. Criteria: Invitae Variant Classification Sherloc (09022015). Collection method: clinical testing. Allele origin: germline.

PreventionGenetics, part of Exact Sciences
Classification: Likely benign for ALDOB-related condition. Last evaluated: 2022-12-05. Review status: no assertion criteria provided. Collection method: clinical testing. Allele origin: germline. Not counted in ClinVar's aggregate classification.
Comment: This variant is classified as likely benign based on ACMG/AMP sequence variant interpretation guidelines (Richards et al. 2015 PMID: 25741868, with internal and published modifications).

NM_000035.4(ALDOB):c.921G>A (p.Gln307=)

Gene: ALDOB (aldolase, fructose-bisphosphate B; minus strand). Cytogenetic location: 9q31.1.
Variant type: single nucleotide variant.
Coding change: c.921G>A on transcript NM_000035.4 (MANE Select); coding-DNA position 921, G replaced by A.
Protein change: p.Gln307=; no amino-acid change (glutamine 307 retained).
Molecular consequence: synonymous variant.
Genome position (GRCh38, 1-based): chr9:101,424,921, C>T on the plus strand (G>A on the coding strand, the complement: ALDOB is on the minus strand). VCF-style: chr9-101424921-C-T. GRCh37 (hg19) VCF-style: chr9-104187203-C-T.
Other names: c.921G>A (NM_000035.3).
Identifiers: ClinVar variation 2879497 (VCV002879497.5), dbSNP rs1831101402, ClinGen allele CA466461890.